The following is an entry in ClinVar:

NM_018341.3(ERMARD):c.1695G>A (p.Thr565=)

Gene: ERMARD (ER membrane associated RNA degradation; plus strand). Cytogenetic location: 6q27.
Variant type: single nucleotide variant.
Coding change: c.1695G>A on transcript NM_018341.3 (MANE Select); coding-DNA position 1695, G replaced by A.
Protein change: p.Thr565=; no amino-acid change (threonine 565 retained).
Molecular consequence: synonymous variant. On other transcripts: intron variant (2).
Genome position (GRCh38, 1-based): chr6:169,776,629, G>A. VCF-style: chr6-169776629-G-A. GRCh37 (hg19) VCF-style: chr6-170176725-G-A.
Other names: c.1317G>A, p.Thr439= (NM_001278532.2); c.1598+218G>A (NM_001278531.2); c.1520+564G>A (NM_001278533.2).
Identifiers: ClinVar variation 384879 (VCV000384879.20), dbSNP rs144899015, ClinGen allele CA4106378.
Genomic context (GRCh38, chr6:169,776,629, plus strand): 5'-TGTGTCCAGCCAGGTCACCGTTGCCTCAGAGCTGAGACACAGGCAGTGGGTGGAAAGGAC[G>A]CTGCGGTCTCGCCAGCGGCAGAACTACCTGCGTATGTGGAGTAGGTGCGCGCTCACTTTC-3'
Protein context (NP_060811.1, residues 555-575): ELRHRQWVER[Thr565=]LRSRQRQNYL

ClinVar aggregate classification (germline): Benign/Likely benign. Review status: criteria provided, multiple submitters, no conflicts (2 of 4 stars). 6 submissions from 6 submitters: Benign (1); Likely benign (4). 1 of the submissions does not count toward it. Last evaluated 2026-07-01.

Conditions:
ERMARD-related disorder. Also called: ERMARD-related condition.

Allele frequency attached by ClinVar (database versions not stated): gnomAD exomes 0.00025 and 0.00073; ExAC 0.00085; 1000 Genomes Project 30x 0.00234; gnomAD 0.00254 and 0.00274; 1000 Genomes Project 0.00260; TOPMed 0.00297; ESP Exome Variant Server 0.00300.
gnomAD v4.1: 769 of 1,614,190 alleles (0.048%); highest among the groups gnomAD compares: African/African-American, 0.9%; 9 homozygotes.

Submissions (6):

CeGaT Center for Human Genetics Tuebingen
Classification: Likely benign. Last evaluated: 2026-07-01. Review status: criteria provided, single submitter. Criteria: CeGaT Center For Human Genetics Tuebingen Variant Classification Criteria Version 2. Collection method: clinical testing. Allele origin: germline. Affected: yes. Observed: 1 variant allele.
Comment: ERMARD: BP4, BP7

Labcorp Genetics (formerly Invitae), Labcorp
Classification: Benign. Last evaluated: 2026-01-23. Review status: criteria provided, single submitter. Criteria: Invitae Variant Classification Sherloc (09022015). Collection method: clinical testing. Allele origin: germline.

Blueprint Genetics
Classification: Likely benign. Last evaluated: 2024-10-02. Review status: criteria provided, single submitter. Criteria: ACMG Guidelines, 2015. Collection method: clinical testing. Allele origin: germline.

GeneDx
Classification: Likely benign. Last evaluated: 2016-12-16. Review status: criteria provided, single submitter. Criteria: GeneDx Variant Classification (06012015). Collection method: clinical testing. Allele origin: germline. Affected: yes.
Comment: This variant is considered likely benign or benign based on one or more of the following criteria: it is a conservative change, it occurs at a poorly conserved position in the protein, it is predicted to be benign by multiple in silico algorithms, and/or has population frequency not consistent with disease.

Genetic Services Laboratory, University of Chicago
Classification: Likely benign. Last evaluated: 2016-06-03. Review status: criteria provided, single submitter. Criteria: ACMG Guidelines, 2015. Collection method: clinical testing. Allele origin: germline. Affected: no.

PreventionGenetics, part of Exact Sciences
Classification: Benign for ERMARD-related condition. Last evaluated: 2019-05-28. Review status: no assertion criteria provided. Collection method: clinical testing. Allele origin: germline. Not counted in ClinVar's aggregate classification.
Comment: This variant is classified as benign based on ACMG/AMP sequence variant interpretation guidelines (Richards et al. 2015 PMID: 25741868, with internal and published modifications).